The following is an entry in ClinVar:

NM_020366.4(RPGRIP1):c.3738A>G (p.Gln1246=)

Gene: RPGRIP1 (RPGR interacting protein 1; plus strand). Cytogenetic location: 14q11.2.
Variant type: single nucleotide variant.
Coding change: c.3738A>G on transcript NM_020366.4 (MANE Select); coding-DNA position 3738, A replaced by G.
Protein change: p.Gln1246=; no amino-acid change (glutamine 1246 retained).
Molecular consequence: synonymous variant.
Genome position (GRCh38, 1-based): chr14:21,348,292, A>G. VCF-style: chr14-21348292-A-G. GRCh37 (hg19) VCF-style: chr14-21816451-A-G.
Other names: c.1716A>G, p.Gln572= (NM_001377523.1, NM_001377950.1); c.2664A>G, p.Gln888= (NM_001377948.1); c.1824A>G, p.Gln608= (NM_001377949.1); c.1221A>G, p.Gln407= (NM_001377951.1).
Identifiers: ClinVar variation 747925 (VCV000747925.9), dbSNP rs751191642, ClinGen allele CA7089594.

ClinVar aggregate classification (germline): Likely benign. Review status: criteria provided, multiple submitters, no conflicts (2 of 4 stars). 2 submissions from 2 submitters: Likely benign (2). Last evaluated 2026-04-23.

Conditions:
RPGRIP1-related disorder. Also called: RPGRIP1-related condition.
Leber congenital amaurosis 6 (LCA6). Identifiers: Orphanet 65, MedGen C1854260, MONDO:0013446, OMIM 613826.
Cone-rod dystrophy 13 (CORD13). Identifiers: Orphanet 1872, MedGen C2750720, MONDO:0011987, OMIM 608194.

Allele frequency attached by ClinVar (database versions not stated): gnomAD exomes 0.00001; ExAC 0.00002.
gnomAD v4.1: 7 of 1,568,330 alleles (0.00045%); highest among the groups gnomAD compares: Middle Eastern, 0.017%; no homozygotes.

Submissions (2):

PreventionGenetics, part of Exact Sciences
Classification: Likely benign for RPGRIP1-related condition. Last evaluated: 2026-04-23. Review status: criteria provided, single submitter. Criteria: ACMG Guidelines, 2015. Collection method: clinical testing. Allele origin: germline.
Comment: This variant is classified as likely benign based on ACMG/AMP sequence variant interpretation guidelines (Richards et al. 2015 PMID: 25741868, with internal and published modifications).

Labcorp Genetics (formerly Invitae), Labcorp
Classification: Likely benign for Leber congenital amaurosis 6; Cone-rod dystrophy 13. Last evaluated: 2023-11-13. Review status: criteria provided, single submitter. Criteria: Invitae Variant Classification Sherloc (09022015). Collection method: clinical testing. Allele origin: germline.